The following is an entry in ClinVar:

ClinVar aggregate classification (germline): Pathogenic (1 of 4 stars; one submission).

Submission:

Labcorp Genetics (formerly Invitae), Labcorp
Classification: Pathogenic. Last evaluated: 2023-03-17. Review status: criteria provided, single submitter. Criteria: Invitae Variant Classification Sherloc (09022015). Collection method: clinical testing. Allele origin: germline.
Comment: This sequence change creates a premature translational stop signal (p.Asn408Lysfs*12) in the LEMD3 gene. It is expected to result in an absent or disrupted protein product. Loss-of-function variants in LEMD3 are known to be pathogenic (PMID: 15489854, 19438932). This variant is not present in population databases (gnomAD no frequency). This variant has not been reported in the literature in individuals affected with LEMD3-related conditions. For these reasons, this variant has been classified as Pathogenic.

Literature cited by the submitters: PubMed 15489854; PubMed 19438932.

NM_014319.5(LEMD3):c.1224_1225del (p.Asn408fs)

Gene: LEMD3 (LEM domain containing 3; plus strand). Cytogenetic location: 12q14.3.
Variant type: Deletion.
Coding change: c.1224_1225del on transcript NM_014319.5 (MANE Select); coding-DNA positions 1224 to 1225, 2 bases deleted (CA; older notation c.1224_1225delCA).
Protein change: p.Asn408fs; shifts the reading frame from asparagine 408.
Molecular consequence: frameshift variant.
Genome position (GRCh38, 1-based): chr12:65,170,820-65,170,821, CA deleted; deleting any 2 consecutive bases within chr12:65,170,819-65,170,821 gives the same sequence; the c. name uses the placement nearest the transcript's 3' end. VCF-style (leftmost placement, unchanged base first): chr12-65170818-AAC-A. GRCh37 (hg19) VCF-style: chr12-65564598-AAC-A.
Other names: c.1224_1225del, p.Asn408fs (NM_001167614.2); short protein forms N408fs.
Identifiers: ClinVar variation 2846733 (VCV002846733.3), dbSNP rs2498940737, ClinGen allele CA2739272177.